The following is an entry in ClinVar:

ClinVar aggregate classification (germline): Pathogenic (1 of 4 stars; one submission).

Conditions:
Ataxia-telangiectasia syndrome (AT). Also called: ATAXIA-TELANGIECTASIA, COMPLEMENTATION GROUP A; ATAXIA-TELANGIECTASIA, FRESNO VARIANT; LOUIS-BAR SYNDROME; Ataxia-telangiectasia, complementation group D; Ataxia-telangiectasia, complementation group E; Cerebello-oculocutaneous telangiectasia. Identifiers: Orphanet 100, MedGen C0004135, MONDO:0008840, OMIM 208900.

Submission:

Labcorp Genetics (formerly Invitae), Labcorp
Classification: Pathogenic for Ataxia-telangiectasia syndrome. Last evaluated: 2024-04-01. Review status: criteria provided, single submitter. Criteria: Invitae Variant Classification Sherloc (09022015). Collection method: clinical testing. Allele origin: germline.
Comment: This sequence change creates a premature translational stop signal (p.Leu1157Phefs*2) in the ATM gene. It is expected to result in an absent or disrupted protein product. Loss-of-function variants in ATM are known to be pathogenic (PMID: 23807571, 25614872). This variant is not present in population databases (gnomAD no frequency). This variant has not been reported in the literature in individuals affected with ATM-related conditions. Algorithms developed to predict the effect of sequence changes on RNA splicing suggest that this variant may disrupt the consensus splice site. For these reasons, this variant has been classified as Pathogenic.

Literature cited by the submitters: PubMed 23807571; PubMed 25614872.

NM_000051.4(ATM):c.3469_3470dup (p.Leu1157fs)

Gene: ATM (ATM serine/threonine kinase; plus strand). Cytogenetic location: 11q22.3.
Variant type: Duplication.
Coding change: c.3469_3470dup on transcript NM_000051.4 (MANE Select); coding-DNA positions 3469 to 3470, 2 bases duplicated (TT; older notation c.3469_3470dupTT).
Protein change: p.Leu1157fs; shifts the reading frame from leucine 1157.
Molecular consequence: frameshift variant.
Genome position (GRCh38, 1-based): chr11:108,281,061-108,281,062, TT duplicated. VCF-style (leftmost placement, unchanged base first): chr11-108281060-G-GTT. GRCh37 (hg19) VCF-style: chr11-108151787-G-GTT.
Other names: c.3469_3470dup, p.Leu1157fs (NM_001351834.2); short protein forms L1157fs.
Identifiers: ClinVar variation 3648281 (VCV003648281.2).